The following is an entry in ClinVar:

ClinVar aggregate classification (germline): Uncertain significance (1 of 4 stars; one submission).

Conditions:
Cardiovascular phenotype. Identifiers: MedGen CN230736.

Submission:

Ambry Genetics
Classification: Uncertain significance for Cardiovascular phenotype. Last evaluated: 2024-09-22. Review status: criteria provided, single submitter. Criteria: Ambry Variant Classification Scheme 2023. Collection method: clinical testing. Allele origin: germline.
Comment: The p.D461E variant (also known as c.1383C>A), located in coding exon 11 of the JAG1 gene, results from a C to A substitution at nucleotide position 1383. The aspartic acid at codon 461 is replaced by glutamic acid, an amino acid with highly similar properties. This amino acid position is conserved. In addition, this alteration is predicted to be tolerated by in silico analysis. Based on the available evidence, the clinical significance of this variant remains unclear.

NM_000214.3(JAG1):c.1383C>A (p.Asp461Glu)

Gene: JAG1 (jagged canonical Notch ligand 1; minus strand). Cytogenetic location: 20p12.2.
Variant type: single nucleotide variant.
Coding change: c.1383C>A on transcript NM_000214.3 (MANE Select); coding-DNA position 1383, C replaced by A.
Protein change: p.Asp461Glu; replaces aspartic acid 461 with glutamic acid.
Molecular consequence: missense variant.
Genome position (GRCh38, 1-based): chr20:10,649,073, G>T on the plus strand (C>A on the coding strand, the complement: JAG1 is on the minus strand). VCF-style: chr20-10649073-G-T. GRCh37 (hg19) VCF-style: chr20-10629721-G-T.
Other names: short protein forms D461E.
Identifiers: ClinVar variation 3531168 (VCV003531168.1).